The following is an entry in ClinVar:

ClinVar aggregate classification (germline): Uncertain significance. Review status: criteria provided, multiple submitters, no conflicts (2 of 4 stars). 2 submissions from 2 submitters: Uncertain significance (2). Last evaluated 2026-03-23.

Conditions:
Inborn genetic diseases. Identifiers: MedGen C0950123, MeSH D030342.

gnomAD v4.1: 1 of 1,610,066 alleles (0.000062%); highest among the groups gnomAD compares: Non-Finnish European, 0.000085%; no homozygotes.

Submissions (2):

Ambry Genetics
Classification: Uncertain significance for Inborn genetic diseases. Last evaluated: 2026-03-23. Review status: criteria provided, single submitter. Criteria: Ambry Variant Classification Scheme 2023. Collection method: clinical testing. Allele origin: germline.
Comment: The c.2600G>T (p.R867L) alteration is located in exon 5 (coding exon 5) of the KMT2B gene. This alteration results from a G to T substitution at nucleotide position 2600, causing the arginine (R) at amino acid position 867 to be replaced by a leucine (L). Based on data from gnomAD, the T allele has an overall frequency of <0.001% (1/242448) total alleles studied. The highest observed frequency was 0.001% (1/109568) of European (non-Finnish) alleles. Based on insufficient or conflicting evidence, the clinical significance of this alteration remains unclear.

Labcorp Genetics (formerly Invitae), Labcorp
Classification: Uncertain significance. Last evaluated: 2023-02-03. Review status: criteria provided, single submitter. Criteria: Invitae Variant Classification Sherloc (09022015). Collection method: clinical testing. Allele origin: germline.
Comment: This variant has not been reported in the literature in individuals affected with KMT2B-related conditions. This sequence change replaces arginine, which is basic and polar, with leucine, which is neutral and non-polar, at codon 867 of the KMT2B protein (p.Arg867Leu). The frequency data for this variant in the population databases is considered unreliable, as metrics indicate poor data quality at this position in the gnomAD database. Advanced modeling of protein sequence and biophysical properties (such as structural, functional, and spatial information, amino acid conservation, physicochemical variation, residue mobility, and thermodynamic stability) has been performed at Invitae for this missense variant, however the output from this modeling did not meet the statistical confidence thresholds required to predict the impact of this variant on KMT2B protein function. In summary, the available evidence is currently insufficient to determine the role of this variant in disease. Therefore, it has been classified as a Variant of Uncertain Significance.

NM_014727.3(KMT2B):c.2600G>T (p.Arg867Leu)

Gene: KMT2B (lysine methyltransferase 2B; plus strand). Cytogenetic location: 19q13.12.
Variant type: single nucleotide variant.
Coding change: c.2600G>T on transcript NM_014727.3 (MANE Select); coding-DNA position 2600, G replaced by T.
Protein change: p.Arg867Leu; replaces arginine 867 with leucine.
Molecular consequence: missense variant.
Genome position (GRCh38, 1-based): chr19:35,722,596, G>T. VCF-style: chr19-35722596-G-T. GRCh37 (hg19) VCF-style: chr19-36213498-G-T.
Other names: c.2600G>T (NM_014727.1); short protein forms R867L.
Identifiers: ClinVar variation 3005764 (VCV003005764.4), dbSNP rs1461591341, ClinGen allele CA405400470.